The following is an entry in ClinVar:

ClinVar aggregate classification (germline): Uncertain significance (1 of 4 stars; one submission).

Conditions:
Hypertrophic cardiomyopathy. Also called: HYPERTROPHIC MYOCARDIOPATHY. Identifiers: Orphanet 217569, MedGen C0007194, MeSH D002312, MONDO:0005045, HP:0001639.

Submission:

Labcorp Genetics (formerly Invitae), Labcorp
Classification: Uncertain significance for Hypertrophic cardiomyopathy. Last evaluated: 2025-10-26. Review status: criteria provided, single submitter. Criteria: Invitae Variant Classification Sherloc (09022015). Collection method: clinical testing. Allele origin: germline.
Comment: This sequence change replaces threonine, which is neutral and polar, with alanine, which is neutral and non-polar, at codon 319 of the MYH7 protein (p.Thr319Ala). This variant is not present in population databases (gnomAD no frequency). This variant has not been reported in the literature in individuals affected with MYH7-related conditions. Invitae Evidence Modeling of protein sequence and biophysical properties (such as structural, functional, and spatial information, amino acid conservation, physicochemical variation, residue mobility, and thermodynamic stability) has been performed for this missense variant. However, the output from this modeling did not meet the statistical confidence thresholds required to predict the impact of this variant on MYH7 protein function. In summary, the available evidence is currently insufficient to determine the role of this variant in disease. Therefore, it has been classified as a Variant of Uncertain Significance.

NM_000257.4(MYH7):c.955A>G (p.Thr319Ala)

Gene: MYH7 (myosin heavy chain 7; minus strand). Cytogenetic location: 14q11.2.
Variant type: single nucleotide variant.
Coding change: c.955A>G on transcript NM_000257.4 (MANE Select); coding-DNA position 955, A replaced by G.
Protein change: p.Thr319Ala; replaces threonine 319 with alanine.
Molecular consequence: missense variant.
Genome position (GRCh38, 1-based): chr14:23,430,604, T>C on the plus strand (A>G on the coding strand, the complement: MYH7 is on the minus strand). VCF-style: chr14-23430604-T-C. GRCh37 (hg19) VCF-style: chr14-23899813-T-C.
Other names: c.955A>G, p.Thr319Ala (NM_001407004.1); short protein forms T319A.
Identifiers: ClinVar variation 4801956 (VCV004801956.1).